The following is an entry in ClinVar:

NM_001165963.4(SCN1A):c.264+6T>G

Gene: SCN1A (sodium voltage-gated channel alpha subunit 1; minus strand). Cytogenetic location: 2q24.3.
Variant type: single nucleotide variant.
Coding change: c.264+6T>G on transcript NM_001165963.4 (MANE Select); 6 bases into the intron after coding-DNA position 264, T replaced by G.
Molecular consequence: intron variant.
Genome position (GRCh38, 1-based): chr2:166,073,352, A>C on the plus strand (T>G on the coding strand, the complement: SCN1A is on the minus strand). VCF-style: chr2-166073352-A-C. GRCh37 (hg19) VCF-style: chr2-166929862-A-C.
Other names: c.264+6T>G (NM_001353949.2, NM_001353958.2, NM_001353950.2 and 10 more transcripts); c.-2162+6T>G (NM_001353961.2).
Identifiers: ClinVar variation 4813392 (VCV004813392.2).

ClinVar aggregate classification (germline): Likely pathogenic (1 of 4 stars; one submission).

Submission:

GeneDx
Classification: Likely pathogenic. Last evaluated: 2026-04-06. Review status: criteria provided, single submitter. Criteria: GeneDx Variant Classification Process June 2021. Collection method: clinical testing. Allele origin: germline.
Comment: Not observed at significant frequency in large population cohorts (gnomAD); In silico analysis supports a deleterious effect on splicing; Has not been previously published as pathogenic or benign to our knowledge